The following is an entry in ClinVar:

NM_021871.4(FGA):c.*133G>A

Gene: FGA (fibrinogen alpha chain; minus strand). Cytogenetic location: 4q31.3.
Variant type: single nucleotide variant.
Coding change: c.*133G>A on transcript NM_021871.4 (MANE Select); 133 bases downstream of the stop codon, G replaced by A.
Molecular consequence: 3 prime UTR variant. On other transcripts: intron variant (1).
Genome position (GRCh38, 1-based): chr4:154,585,361, C>T on the plus strand (G>A on the coding strand, the complement: FGA is on the minus strand). VCF-style: chr4-154585361-C-T. GRCh37 (hg19) VCF-style: chr4-155506513-C-T.
Other names: c.1891+177G>A (NM_000508.5).
Identifiers: ClinVar variation 902097 (VCV000902097.4), dbSNP rs182736373, ClinGen allele CA108760656.
Genomic context (GRCh38, chr4:154,585,361, plus strand): 5'-ATTGAGTCATGGCTCTGTACTGTTAGGCATTTGGGAATACAGAGATGAGACAGACAAAGG[C>T]CCTGCCCCCAAGGAACTTACAGTCTAGCACAAAAACAGACCAAAAAAGTGTAGTTTCAAT-3'

ClinVar aggregate classification (germline): Conflicting classifications of pathogenicity. Review status: criteria provided, conflicting classifications (1 of 4 stars). 2 submissions from 1 submitter: Uncertain significance (1); Benign (1). Last evaluated 2018-01-13.

Conditions:
Familial visceral amyloidosis, Ostertag type (AMYLD2). Also called: AMYLOIDOSIS VIII; Amyloidosis, hepatic and systemic; Familial visceral amyloidosis; AMYLOIDOSIS, HEREDITARY SYSTEMIC 2; Hereditary Renal Amyloidosis; Ostertag type amyloidosis. Identifiers: Orphanet 85450, MedGen C0268389, MONDO:0007099, OMIM 105200.
Congenital afibrinogenemia. Identifiers: Orphanet 335, Orphanet 98880, MedGen C2584774, MONDO:0008737, OMIM 202400.

Allele frequency attached by ClinVar (database versions not stated): 1000 Genomes Project 30x 0.00094; 1000 Genomes Project 0.00100; TOPMed 0.00154; gnomAD exomes 0.00222.
gnomAD v4.1: 2,230 of 1,066,270 alleles (0.21%); highest among the groups gnomAD compares: Non-Finnish European, 0.27%; 5 homozygotes.

Submissions (2):

Illumina Laboratory Services, Illumina
Classification: Uncertain significance for Congenital afibrinogenemia. Last evaluated: 2018-01-13. Review status: criteria provided, single submitter. Criteria: ICSL Variant Classification Criteria 13 December 2019. Collection method: clinical testing. Allele origin: germline.

Illumina Laboratory Services, Illumina
Classification: Benign for Familial visceral amyloidosis, Ostertag type. Last evaluated: 2018-01-13. Review status: criteria provided, single submitter. Criteria: ICSL Variant Classification Criteria 13 December 2019. Collection method: clinical testing. Allele origin: germline.
Comment: This variant was observed in the ICSL laboratory as part of a predisposition screen in an ostensibly healthy population. It had not been previously curated by ICSL or reported in the Human Gene Mutation Database (HGMD: prior to June 1st, 2018), and was therefore a candidate for classification through an automated scoring system. Utilizing variant allele frequency, disease prevalence and penetrance estimates, and inheritance mode, an automated score was calculated to assess if this variant is too frequent to cause the disease. Based on the score and internal cut-off values, a variant classified as benign is not then subjected to further curation. The score for this variant resulted in a classification of benign for this disease.